The following is an entry in ClinVar:

NM_198253.3(TERT):c.1322A>G (p.Glu441Gly)

Gene: TERT (telomerase reverse transcriptase; minus strand). Cytogenetic location: 5p15.33.
Variant type: single nucleotide variant.
Coding change: c.1322A>G on transcript NM_198253.3 (MANE Select); coding-DNA position 1322, A replaced by G.
Protein change: p.Glu441Gly; replaces glutamic acid 441 with glycine.
Molecular consequence: missense variant. On other transcripts: non-coding transcript variant (2).
Genome position (GRCh38, 1-based): chr5:1,293,564, T>C on the plus strand (A>G on the coding strand, the complement: TERT is on the minus strand). VCF-style: chr5-1293564-T-C. GRCh37 (hg19) VCF-style: chr5-1293679-T-C.
Other names: c.1322A>G, p.Glu441Gly (NM_001193376.3); short protein forms E441G.
Identifiers: ClinVar variation 3967365 (VCV003967365.1).

ClinVar aggregate classification (germline): Uncertain significance (1 of 4 stars; one submission).

Conditions:
Dyskeratosis congenita. Identifiers: Orphanet 1775, MedGen C0265965, MONDO:0015780.

Submission:

Ambry Genetics
Classification: Uncertain significance for Dyskeratosis congenita. Last evaluated: 2025-05-15. Review status: criteria provided, single submitter. Criteria: Ambry Variant Classification Scheme 2023. Collection method: clinical testing. Allele origin: germline.
Comment: The p.E441G variant (also known as c.1322A>G), located in coding exon 2 of the TERT gene, results from an A to G substitution at nucleotide position 1322. The glutamic acid at codon 441 is replaced by glycine, an amino acid with similar properties. This amino acid position is conserved. In addition, this alteration is predicted to be tolerated by in silico analysis. Based on the available evidence, the clinical significance of this variant remains unclear.